The following is an entry in ClinVar:

ClinVar aggregate classification (germline): Uncertain significance. Review status: criteria provided, multiple submitters, no conflicts (2 of 4 stars). 2 submissions from 2 submitters: Uncertain significance (2). Last evaluated 2023-01-17.

Conditions:
Inborn genetic diseases. Identifiers: MedGen C0950123, MeSH D030342.

Allele frequency attached by ClinVar (database versions not stated): ExAC 0.00002; TOPMed 0.00005; gnomAD 0.00006 and 0.00007.
gnomAD v4.1: 131 of 1,612,194 alleles (0.0081%); highest among the groups gnomAD compares: Non-Finnish European, 0.01%; no homozygotes.

Submissions (2):

Ambry Genetics
Classification: Uncertain significance for Inborn genetic diseases. Last evaluated: 2023-01-17. Review status: criteria provided, single submitter. Criteria: Ambry Variant Classification Scheme 2023. Collection method: clinical testing. Allele origin: germline.

Labcorp Genetics (formerly Invitae), Labcorp
Classification: Uncertain significance. Last evaluated: 2022-01-28. Review status: criteria provided, single submitter. Criteria: Invitae Variant Classification Sherloc (09022015). Collection method: clinical testing. Allele origin: germline.
Comment: In summary, the available evidence is currently insufficient to determine the role of this variant in disease. Therefore, it has been classified as a Variant of Uncertain Significance. Algorithms developed to predict the effect of missense changes on protein structure and function are either unavailable or do not agree on the potential impact of this missense change (SIFT: "Not Available"; PolyPhen-2: "Probably Damaging"; Align-GVGD: "Not Available"). This missense change has been observed in individual(s) with clinical features of orofaciodigital syndrome (Invitae). This variant is present in population databases (rs777923913, gnomAD 0.008%). This sequence change replaces arginine with histidine at codon 318 of the DDX59 protein (p.Arg318His). The arginine residue is highly conserved and there is a small physicochemical difference between arginine and histidine.

NM_001031725.6(DDX59):c.953G>A (p.Arg318His)

Gene: DDX59 (DEAD-box helicase 59; minus strand). Cytogenetic location: 1q32.1.
Variant type: single nucleotide variant.
Coding change: c.953G>A on transcript NM_001031725.6 (MANE Select); coding-DNA position 953, G replaced by A.
Protein change: p.Arg318His; replaces arginine 318 with histidine.
Molecular consequence: missense variant.
Genome position (GRCh38, 1-based): chr1:200,663,938, C>T on the plus strand (G>A on the coding strand, the complement: DDX59 is on the minus strand). VCF-style: chr1-200663938-C-T. GRCh37 (hg19) VCF-style: chr1-200633066-C-T.
Other names: c.953G>A, p.Arg318His (NM_001320181.2, NM_001320182.1, NM_001349799.3 and 5 more transcripts); c.953G>A (NM_001031725.4); short protein forms R318H.
Identifiers: ClinVar variation 1352108 (VCV001352108.7), dbSNP rs777923913, ClinGen allele CA1318399.
Genomic context (GRCh38, chr1:200,663,938, plus strand): 5'-TACAAAACTTTTCAAAGACATTGTATCAAATCAGTGCTTACCTTAACATGTTGTTGCAGA[C>T]GATAAAGCTGTGGGGGTAAGGGTAAGCCCCCTACAAGAAGCACAGTTTTCATGCGTGGCA-3'
Protein context (NP_001026895.2, residues 308-328): GGLPLPPQLY[Arg318His]LQQHVKVIIA